The following is an entry in ClinVar:

ClinVar aggregate classification (germline): Pathogenic (1 of 4 stars; one submission).

Submission:

Labcorp Genetics (formerly Invitae), Labcorp
Classification: Pathogenic. Last evaluated: 2022-08-17. Review status: criteria provided, single submitter. Criteria: Invitae Variant Classification Sherloc (09022015). Collection method: clinical testing. Allele origin: germline.
Comment: For these reasons, this variant has been classified as Pathogenic. This variant has not been reported in the literature in individuals affected with SI-related conditions. This variant is not present in population databases (gnomAD no frequency). This sequence change creates a premature translational stop signal (p.Arg1041*) in the SI gene. It is expected to result in an absent or disrupted protein product. Loss-of-function variants in SI are known to be pathogenic (PMID: 16329100, 23103650, 25452324).

Literature cited by the submitters: PubMed 16329100; PubMed 23103650; PubMed 25452324.

NM_001041.4(SI):c.3121A>T (p.Arg1041Ter)

Gene: SI (sucrase-isomaltase; minus strand). Cytogenetic location: 3q26.1.
Variant type: single nucleotide variant.
Coding change: c.3121A>T on transcript NM_001041.4 (MANE Select); coding-DNA position 3121, A replaced by T.
Protein change: p.Arg1041Ter; replaces arginine 1041 with a stop codon.
Molecular consequence: nonsense.
Genome position (GRCh38, 1-based): chr3:165,021,362, T>A on the plus strand (A>T on the coding strand, the complement: SI is on the minus strand). VCF-style: chr3-165021362-T-A. GRCh37 (hg19) VCF-style: chr3-164739150-T-A.
Other names: short protein forms R1041*.
Identifiers: ClinVar variation 2020136 (VCV002020136.4), dbSNP rs2473288479, ClinGen allele CA355041144.